The following is an entry in ClinVar:

ClinVar aggregate classification (germline): Pathogenic (1 of 4 stars; one submission).

Submission:

Labcorp Genetics (formerly Invitae), Labcorp
Classification: Pathogenic. Last evaluated: 2022-10-05. Review status: criteria provided, single submitter. Criteria: Invitae Variant Classification Sherloc (09022015). Collection method: clinical testing. Allele origin: germline.
Comment: For these reasons, this variant has been classified as Pathogenic. This variant has not been reported in the literature in individuals affected with USH1C-related conditions. This variant is a gross deletion of the genomic region encompassing exon(s) 4 of the USH1C gene. This deletion is out-of-frame, and is expected to create a premature termination codon and result in an absent or disrupted protein product. Loss-of-function variants in USH1C are known to be pathogenic (PMID: 10973247, 17407589, 20301442, 21203349).

Literature cited by the submitters: PubMed 10973247; PubMed 17407589; PubMed 20301442; PubMed 21203349.

NC_000011.9:g.(?_17552681)_(17552859_?)del

Gene: USH1C (USH1 protein network component harmonin; minus strand). Cytogenetic location: 11p15.1.
Variant type: Deletion.
Identifiers: ClinVar variation 1460152 (VCV001460152.5).